The following is an entry in ClinVar:

NM_001844.5(COL2A1):c.1409del (p.Lys470fs)

Gene: COL2A1 (collagen type II alpha 1 chain; minus strand). Cytogenetic location: 12q13.11.
Variant type: Deletion.
Coding change: c.1409del on transcript NM_001844.5 (MANE Select); coding-DNA position 1409, one base deleted (A; older notation c.1409delA).
Protein change: p.Lys470fs; shifts the reading frame from lysine 470.
Molecular consequence: frameshift variant.
Genome position (GRCh38, 1-based): chr12:47,986,845, T deleted on the plus strand (A on the coding strand, the reverse complement: COL2A1 is on the minus strand); the first of 2 consecutive T bases (chr12:47,986,845-47,986,846); deleting either gives the same sequence. VCF-style (leftmost placement, unchanged base first): chr12-47986844-CT-C. GRCh37 (hg19) VCF-style: chr12-48380627-CT-C.
Other names: c.1202del, p.Lys401fs (NM_033150.3); c.1409del (NM_001844.4); short protein forms K401fs, K470fs.
Identifiers: ClinVar variation 1074613 (VCV001074613.8), dbSNP rs2136573975, ClinGen allele CA2499221674.
Genomic context (GRCh38, chr12:47,986,844, plus strand): 5'-GCCTCATAGAACAGCAGCAGAGAAGACAAGGGCTTGGGGGCAGATACTCACAGGTTCTCC[CT>C]TGGGGCCTTGTTCACCTTTGAAGCCAGCAATACCAGGTTCACCCTTGAAAAGAGAGGCAG-3'

ClinVar aggregate classification (germline): Pathogenic. Review status: criteria provided, multiple submitters, no conflicts (2 of 4 stars). 2 submissions from 2 submitters: Pathogenic (2). Last evaluated 2025-05-27.

Submissions (2):

GeneDx
Classification: Pathogenic. Last evaluated: 2025-05-27. Review status: criteria provided, single submitter. Criteria: GeneDx Variant Classification Process June 2021. Collection method: clinical testing. Allele origin: germline. Affected: yes.
Comment: Reported in a patient with skeletal dysplasia referred for genetic testing (PMID: 38702915); Frameshift variant predicted to result in protein truncation or nonsense mediated decay in a gene for which loss of function is a known mechanism of disease; Not observed at significant frequency in large population cohorts (gnomAD); This variant is associated with the following publications: (PMID: 38702915)

Labcorp Genetics (formerly Invitae), Labcorp
Classification: Pathogenic. Last evaluated: 2022-10-31. Review status: criteria provided, single submitter. Criteria: Invitae Variant Classification Sherloc (09022015). Collection method: clinical testing. Allele origin: germline.
Comment: For these reasons, this variant has been classified as Pathogenic. ClinVar contains an entry for this variant (Variation ID: 1074613). This sequence change creates a premature translational stop signal (p.Lys470Argfs*159) in the COL2A1 gene. It is expected to result in an absent or disrupted protein product. Loss-of-function variants in COL2A1 are known to be pathogenic (PMID: 20179744). This variant is not present in population databases (gnomAD no frequency). This variant has not been reported in the literature in individuals affected with COL2A1-related conditions.

Literature cited by the submitters: PubMed 20179744 (cited by Labcorp Genetics (formerly Invitae), Labcorp).